The following is an entry in ClinVar:

NM_025114.4(CEP290):c.135A>C (p.Gln45His)

Gene: CEP290 (centrosomal protein 290; minus strand). Cytogenetic location: 12q21.32.
Variant type: single nucleotide variant.
Coding change: c.135A>C on transcript NM_025114.4 (MANE Select); coding-DNA position 135, A replaced by C.
Protein change: p.Gln45His; replaces glutamine 45 with histidine.
Molecular consequence: missense variant.
Genome position (GRCh38, 1-based): chr12:88,141,001, T>G on the plus strand (A>C on the coding strand, the complement: CEP290 is on the minus strand). VCF-style: chr12-88141001-T-G. GRCh37 (hg19) VCF-style: chr12-88534778-T-G.
Other names: short protein forms Q45H.
Identifiers: ClinVar variation 1444575 (VCV001444575.6), dbSNP rs2138298764, ClinGen allele CA385989902.

ClinVar aggregate classification (germline): Uncertain significance (1 of 4 stars; one submission).

Conditions:
Nephronophthisis. Also called: Juvenile Nephronophthisis. Identifiers: Orphanet 655, MedGen C0687120, MONDO:0019005, HP:0000090.
Meckel-Gruber syndrome. Also called: DYSENCEPHALIA SPLANCHNOCYSTICA; GRUBER SYNDROME; Dysencephalia splachnocystica. Identifiers: Orphanet 564, MedGen C0265215, MONDO:0018921.
Joubert syndrome. Also called: CEREBELLOPARENCHYMAL DISORDER IV; JOUBERT-BOLTSHAUSER SYNDROME; Familial aplasia of the vermis. Identifiers: Orphanet 475, MedGen C5979921, MONDO:0018772.

Submission:

Labcorp Genetics (formerly Invitae), Labcorp
Classification: Uncertain significance for Joubert syndrome; Meckel-Gruber syndrome; Nephronophthisis. Last evaluated: 2021-12-08. Review status: criteria provided, single submitter. Criteria: Invitae Variant Classification Sherloc (09022015). Collection method: clinical testing. Allele origin: germline.
Comment: This sequence change replaces glutamine, which is neutral and polar, with histidine, which is basic and polar, at codon 45 of the CEP290 protein (p.Gln45His). This variant is not present in population databases (gnomAD no frequency). This variant has not been reported in the literature in individuals affected with CEP290-related conditions. Algorithms developed to predict the effect of missense changes on protein structure and function (SIFT, PolyPhen-2, Align-GVGD) all suggest that this variant is likely to be tolerated. In summary, the available evidence is currently insufficient to determine the role of this variant in disease. Therefore, it has been classified as a Variant of Uncertain Significance.